The following is an entry in ClinVar:

ClinVar aggregate classification (germline): Uncertain significance (1 of 4 stars; one submission).

Conditions:
Cardiomyopathy (CMYO). Also called: Cardiomyopathies. Identifiers: Orphanet 167848, MedGen C0878544, MONDO:0004994, HP:0001638. Inheritance: Various modes of inheritance.

Submission:

Color Diagnostics, LLC DBA Color Health
Classification: Uncertain significance for Cardiomyopathy. Last evaluated: 2025-07-21. Review status: criteria provided, single submitter. Criteria: ACMG Guidelines, 2015. Collection method: clinical testing. Allele origin: germline.
Comment: This variant causes an A to T nucleotide substitution at the +4 position of intron 57 of the RYR2 gene. To our knowledge, functional studies have not been reported for this variant. This variant has not been reported in individuals affected with RYR2-related disorders in the literature. This variant has not been identified in the general population by the Genome Aggregation Database (gnomAD). The available evidence is insufficient to determine the role of this variant in disease conclusively. Therefore, this variant is classified as a Variant of Uncertain Significance.

NM_001035.3(RYR2):c.8514+4A>T

Gene: RYR2 (ryanodine receptor 2; plus strand). Cytogenetic location: 1q43.
Variant type: single nucleotide variant.
Coding change: c.8514+4A>T on transcript NM_001035.3 (MANE Select); 4 bases into the intron after coding-DNA position 8514, A replaced by T.
Molecular consequence: intron variant.
Genome position (GRCh38, 1-based): chr1:237,666,593, A>T. VCF-style: chr1-237666593-A-T. GRCh37 (hg19) VCF-style: chr1-237829893-A-T.
Identifiers: ClinVar variation 4759089 (VCV004759089.1).
Genomic context (GRCh38, chr1:237,666,593, plus strand): 5'-GGTTACAGTCCCCGGGCCATTGACATGAGCAATGTTACACTATCTAGAGACCTGCATGTA[A>T]GTACTATTAACTTTTAAAAATAGTCTCCAAATTTAATTTTTAAGAAGCATAATGTAATGC-3'